The following is an entry in ClinVar:

NM_015506.3(MMACHC):c.590A>G (p.Asn197Ser)

Gene: MMACHC (metabolism of cobalamin associated C; plus strand). Cytogenetic location: 1p34.1.
Variant type: single nucleotide variant.
Coding change: c.590A>G on transcript NM_015506.3 (MANE Select); coding-DNA position 590, A replaced by G.
Protein change: p.Asn197Ser; replaces asparagine 197 with serine.
Molecular consequence: missense variant.
Genome position (GRCh38, 1-based): chr1:45,508,956, A>G. VCF-style: chr1-45508956-A-G. GRCh37 (hg19) VCF-style: chr1-45974628-A-G.
Other names: c.419A>G, p.Asn140Ser (NM_001330540.2); short protein forms N140S, N197S.
Identifiers: ClinVar variation 1939901 (VCV001939901.5), dbSNP rs1272181770, ClinGen allele CA340133574.
Genomic context (GRCh38, chr1:45,508,956, plus strand): 5'-GAAAACCTCATGACTGTGTACCTACAAGAGCTGACCGTATCGCCCTACTCGAAGGCTTCA[A>G]TTTCCACTGGCGTGATTGGACTTACCGGGATGCTGTGACACCCCAGGAGCGCTACTCAGA-3'
Protein context (NP_056321.2, residues 187-207): ADRIALLEGF[Asn197Ser]FHWRDWTYRD

ClinVar aggregate classification (germline): Uncertain significance (1 of 4 stars; one submission).

Conditions:
Cobalamin C disease. Also called: Methylmalonic aciduria and homocystinuria, Vitamin B12-responsive; Vitamin B12 metabolic defect with combined deficiency of methylmalonyl-CoA mutase and homocysteine:methyltetrahydrofolate methyltransferase; Cobalamin-C methylmalonic acidemia and homocystinuria; Methylmalonic acidemia and homocystinuria cblC type; methylmalonic aciduria and homocystinuria type cblC; Methylmalonic aciduria with homocystinuria cblC type. Identifiers: Orphanet 26, Orphanet 79282, MedGen C1848561, MONDO:0010184, OMIM 277400.

Allele frequency attached by ClinVar (database versions not stated): gnomAD exomes below 0.00001; gnomAD 0.00001.
gnomAD v4.1: 4 of 1,613,988 alleles (0.00025%); highest among the groups gnomAD compares: South Asian, 0.0044%; no homozygotes.

Submission:

Labcorp Genetics (formerly Invitae), Labcorp
Classification: Uncertain significance for Cobalamin C disease. Last evaluated: 2022-08-20. Review status: criteria provided, single submitter. Criteria: Invitae Variant Classification Sherloc (09022015). Collection method: clinical testing. Allele origin: germline.
Comment: In summary, the available evidence is currently insufficient to determine the role of this variant in disease. Therefore, it has been classified as a Variant of Uncertain Significance. Advanced modeling of protein sequence and biophysical properties (such as structural, functional, and spatial information, amino acid conservation, physicochemical variation, residue mobility, and thermodynamic stability) performed at Invitae indicates that this missense variant is expected to disrupt MMACHC protein function. This variant has not been reported in the literature in individuals affected with MMACHC-related conditions. This variant is present in population databases (no rsID available, gnomAD 0.003%). This sequence change replaces asparagine, which is neutral and polar, with serine, which is neutral and polar, at codon 197 of the MMACHC protein (p.Asn197Ser).